The following is an entry in ClinVar:

ClinVar aggregate classification (germline): Uncertain significance (1 of 4 stars; one submission).

Conditions:
Progressive sclerosing poliodystrophy (MTDPS4A). Also called: ALPERS DIFFUSE DEGENERATION OF CEREBRAL GRAY MATTER WITH HEPATIC CIRRHOSIS; Alpers-Huttenlocher Syndrome; ALPERS PROGRESSIVE INFANTILE POLIODYSTROPHY; NEURONAL DEGENERATION OF CHILDHOOD WITH LIVER DISEASE, PROGRESSIVE; Mitochondrial DNA Depletion Syndrome 4A; Alpers-Huttenlocher Syndrome (AHS). Identifiers: Orphanet 726, MedGen C0205710, MONDO:0008758, OMIM 203700.

Allele frequency attached by ClinVar (database versions not stated): ExAC 0.00001; gnomAD 0.00001 and 0.00002; gnomAD exomes 0.00001 and 0.00002; TOPMed 0.00004; 1000 Genomes Project 30x 0.00016; 1000 Genomes Project 0.00020.
gnomAD v4.1: 14 of 1,614,048 alleles (0.00087%); highest among the groups gnomAD compares: East Asian, 0.027%; no homozygotes.

Submission:

Labcorp Genetics (formerly Invitae), Labcorp
Classification: Uncertain significance for Progressive sclerosing poliodystrophy. Last evaluated: 2026-01-27. Review status: criteria provided, single submitter. Criteria: Invitae Variant Classification Sherloc (09022015). Collection method: clinical testing. Allele origin: germline.
Comment: This sequence change replaces serine, which is neutral and polar, with glycine, which is neutral and non-polar, at codon 534 of the POLG protein (p.Ser534Gly). This variant is present in population databases (rs201097813, gnomAD 0.03%). This missense change has been observed in individual(s) with POLG-related conditions (PMID: 35861376). ClinVar contains an entry for this variant (Variation ID: 206599). Invitae Evidence Modeling of protein sequence and biophysical properties (such as structural, functional, and spatial information, amino acid conservation, physicochemical variation, residue mobility, and thermodynamic stability) indicates that this missense variant is not expected to disrupt POLG protein function with a negative predictive value of 95%. In summary, the available evidence is currently insufficient to determine the role of this variant in disease. Therefore, it has been classified as a Variant of Uncertain Significance.

Literature cited by the submitters: PubMed 35861376.

NM_002693.3(POLG):c.1600A>G (p.Ser534Gly)

Gene: POLG (DNA polymerase gamma, catalytic subunit; minus strand). Cytogenetic location: 15q26.1.
Variant type: single nucleotide variant.
Coding change: c.1600A>G on transcript NM_002693.3 (MANE Select); coding-DNA position 1600, A replaced by G.
Protein change: p.Ser534Gly; replaces serine 534 with glycine.
Molecular consequence: missense variant.
Genome position (GRCh38, 1-based): chr15:89,326,724, T>C on the plus strand (A>G on the coding strand, the complement: POLG is on the minus strand). VCF-style: chr15-89326724-T-C. GRCh37 (hg19) VCF-style: chr15-89869955-T-C.
Other names: c.1600A>G, p.Ser534Gly (NM_001126131.2); short protein forms S534G.
Identifiers: ClinVar variation 206599 (VCV000206599.7), dbSNP rs201097813, ClinGen allele CA316840.